The following is an entry in ClinVar:

ClinVar aggregate classification (germline): Conflicting classifications of pathogenicity. Review status: criteria provided, conflicting classifications (1 of 4 stars). 2 submissions from 2 submitters: Uncertain significance (1); Likely benign (1). Last evaluated 2024-01-24.

Allele frequency attached by ClinVar (database versions not stated): ExAC 0.00002; gnomAD 0.00003; TOPMed 0.00003.
gnomAD v4.1: 14 of 1,613,110 alleles (0.00087%); highest among the groups gnomAD compares: African/African-American, 0.017%; no homozygotes.

Submissions (2):

Athena Diagnostics
Classification: Likely benign. Last evaluated: 2024-01-24. Review status: criteria provided, single submitter. Criteria: Athena Diagnostics Criteria. Collection method: clinical testing. Allele origin: unknown.

Labcorp Genetics (formerly Invitae), Labcorp
Classification: Uncertain significance. Last evaluated: 2022-06-11. Review status: criteria provided, single submitter. Criteria: Invitae Variant Classification Sherloc (09022015). Collection method: clinical testing. Allele origin: germline.
Comment: This sequence change replaces proline, which is neutral and non-polar, with histidine, which is basic and polar, at codon 29 of the HNF4A protein (p.Pro29His). This variant is present in population databases (rs763529905, gnomAD 0.03%). This variant has not been reported in the literature in individuals affected with HNF4A-related conditions. Algorithms developed to predict the effect of missense changes on protein structure and function are either unavailable or do not agree on the potential impact of this missense change (SIFT: "Deleterious"; PolyPhen-2: "Benign"; Align-GVGD: "Class C0"). In summary, the available evidence is currently insufficient to determine the role of this variant in disease. Therefore, it has been classified as a Variant of Uncertain Significance.

Literature cited by the submitters: PubMed 24097065 (cited by Athena Diagnostics).

NM_175914.5(HNF4A):c.86C>A (p.Pro29His)

Gene: HNF4A (hepatocyte nuclear factor 4 alpha; plus strand). Cytogenetic location: 20q13.12.
Variant type: single nucleotide variant.
Coding change: c.86C>A on transcript NM_175914.5 (MANE Select); coding-DNA position 86, C replaced by A.
Protein change: p.Pro29His; replaces proline 29 with histidine.
Molecular consequence: missense variant.
Genome position (GRCh38, 1-based): chr20:44,406,094, C>A. VCF-style: chr20-44406094-C-A. GRCh37 (hg19) VCF-style: chr20-43034734-C-A.
Other names: c.152C>A, p.Pro51His (NM_000457.6, NM_178849.3, NM_178850.3); c.86C>A, p.Pro29His (NM_001030003.3, NM_001030004.3); c.131C>A, p.Pro44His (NM_001258355.2); c.77C>A, p.Pro26His (NM_001287182.2, NM_001287183.2, NM_001287184.2); short protein forms P29H, P26H, P44H, P51H.
Identifiers: ClinVar variation 1945151 (VCV001945151.6), dbSNP rs763529905, ClinGen allele CA9870163.